The following is an entry in ClinVar:

NM_006302.3(MOGS):c.1483C>T (p.Arg495Ter)

Gene: MOGS (mannosyl-oligosaccharide glucosidase; minus strand). Cytogenetic location: 2p13.1.
Variant type: single nucleotide variant.
Coding change: c.1483C>T on transcript NM_006302.3 (MANE Select); coding-DNA position 1483, C replaced by T.
Protein change: p.Arg495Ter; replaces arginine 495 with a stop codon.
Molecular consequence: nonsense.
Genome position (GRCh38, 1-based): chr2:74,462,306, G>A on the plus strand (C>T on the coding strand, the complement: MOGS is on the minus strand). VCF-style: chr2-74462306-G-A. GRCh37 (hg19) VCF-style: chr2-74689433-G-A.
Other names: c.1165C>T, p.Arg389Ter (NM_001146158.2); short protein forms R389*, R495*.
Identifiers: ClinVar variation 1039350 (VCV001039350.10), dbSNP rs746601093, ClinGen allele CA1724782.

ClinVar aggregate classification (germline): Pathogenic/Likely pathogenic. Review status: criteria provided, multiple submitters, no conflicts (2 of 4 stars). 3 submissions from 3 submitters: Pathogenic (2); Likely pathogenic (1). Last evaluated 2025-10-29.

Conditions:
MOGS-related disorder. Also called: MOGS-related condition.
MOGS-congenital disorder of glycosylation. Also called: MOGS-CDG; GLUCOSIDASE I DEFICIENCY; CDG IIb; CDG 2B. Identifiers: Orphanet 79330, MedGen C1853736, MONDO:0011629, OMIM 606056.

Allele frequency attached by ClinVar (database versions not stated): TOPMed 0.00001; gnomAD 0.00002.
gnomAD v4.1: 41 of 1,613,712 alleles (0.0025%); highest among the groups gnomAD compares: Non-Finnish European, 0.0034%; no homozygotes.

Submissions (3):

Labcorp Genetics (formerly Invitae), Labcorp
Classification: Pathogenic for MOGS-congenital disorder of glycosylation. Last evaluated: 2025-10-29. Review status: criteria provided, single submitter. Criteria: Invitae Variant Classification Sherloc (09022015). Collection method: clinical testing. Allele origin: germline.
Comment: This sequence change creates a premature translational stop signal (p.Arg495*) in the MOGS gene. While this is not anticipated to result in nonsense mediated decay, it is expected to disrupt the last 343 amino acid(s) of the MOGS protein. This variant is present in population databases (rs746601093, gnomAD 0.003%). This premature translational stop signal has been observed in individual(s) with congenital disorder of glycosylation type 2B (PMID: 32246563, 33261925). ClinVar contains an entry for this variant (Variation ID: 1039350). This variant disrupts a region of the MOGS protein in which other variant(s) (p.Arg535*) have been determined to be pathogenic (PMID: 29235540, 33261925; internal data). This suggests that this is a clinically significant region of the protein, and that variants that disrupt it are likely to be disease-causing. For these reasons, this variant has been classified as Pathogenic.

Revvity Omics, Revvity
Classification: Pathogenic for MOGS-congenital disorder of glycosylation. Last evaluated: 2022-01-27. Review status: criteria provided, single submitter. Criteria: ACMG Guidelines, 2015. Collection method: clinical testing. Allele origin: germline.

Blueprint Genetics
Classification: Likely pathogenic for MOGS-related disorders. Last evaluated: 2020-07-20. Review status: criteria provided, single submitter. Criteria: ACMG Guidelines, 2015. Collection method: clinical testing. Allele origin: germline. Affected: yes. Observed: 4 variant alleles.

Literature cited by the submitters: PubMed 32246563 (cited by Labcorp Genetics (formerly Invitae), Labcorp); PubMed 33261925 (cited by Labcorp Genetics (formerly Invitae), Labcorp); PubMed 29235540 (cited by Labcorp Genetics (formerly Invitae), Labcorp).